The following is an entry in ClinVar:

NM_133259.4(LRPPRC):c.133G>A (p.Ala45Thr)

Gene: LRPPRC (leucine rich pentatricopeptide repeat containing; minus strand). Cytogenetic location: 2p21.
Variant type: single nucleotide variant.
Coding change: c.133G>A on transcript NM_133259.4 (MANE Select); coding-DNA position 133, G replaced by A.
Protein change: p.Ala45Thr; replaces alanine 45 with threonine.
Molecular consequence: missense variant.
Genome position (GRCh38, 1-based): chr2:43,995,815, C>T on the plus strand (G>A on the coding strand, the complement: LRPPRC is on the minus strand). VCF-style: chr2-43995815-C-T. GRCh37 (hg19) VCF-style: chr2-44222954-C-T.
Other names: short protein forms A45T.
Identifiers: ClinVar variation 4751420 (VCV004751420.1).

ClinVar aggregate classification (germline): Uncertain significance (1 of 4 stars; one submission).

Submission:

Labcorp Genetics (formerly Invitae), Labcorp
Classification: Uncertain significance. Last evaluated: 2025-06-07. Review status: criteria provided, single submitter. Criteria: Invitae Variant Classification Sherloc (09022015). Collection method: clinical testing. Allele origin: germline.
Comment: This sequence change replaces alanine, which is neutral and non-polar, with threonine, which is neutral and polar, at codon 45 of the LRPPRC protein (p.Ala45Thr). The frequency data for this variant in the population databases is considered unreliable, as metrics indicate poor data quality at this position in the gnomAD database. This variant has not been reported in the literature in individuals affected with LRPPRC-related conditions. An algorithm developed to predict the effect of missense changes on protein structure and function (PolyPhen-2) suggests that this variant is likely to be tolerated. In summary, the available evidence is currently insufficient to determine the role of this variant in disease. Therefore, it has been classified as a Variant of Uncertain Significance.